The following is an entry in ClinVar:

NM_001378609.3(OTOGL):c.4159T>C (p.Cys1387Arg)

Gene: OTOGL (otogelin like; plus strand). Cytogenetic location: 12q21.31.
Variant type: single nucleotide variant.
Coding change: c.4159T>C on transcript NM_001378609.3 (MANE Select); coding-DNA position 4159, T replaced by C.
Protein change: p.Cys1387Arg; replaces cysteine 1387 with arginine.
Molecular consequence: missense variant.
Genome position (GRCh38, 1-based): chr12:80,323,800, T>C. VCF-style: chr12-80323800-T-C. GRCh37 (hg19) VCF-style: chr12-80717580-T-C.
Other names: c.4024T>C, p.Cys1342Arg (NM_001368062.3); c.4159T>C, p.Cys1387Arg (NM_001378610.3, NM_173591.7); short protein forms C1342R, C1387R.
Identifiers: ClinVar variation 2956702 (VCV002956702.3), dbSNP rs768182016, ClinGen allele CA6701274.

ClinVar aggregate classification (germline): Uncertain significance (1 of 4 stars; one submission).

Allele frequency attached by ClinVar (database versions not stated): ExAC 0.00002; gnomAD 0.00001; gnomAD exomes 0.00002; TOPMed 0.00002.
gnomAD v4.1: 10 of 1,613,644 alleles (0.00062%); highest among the groups gnomAD compares: Middle Eastern, 0.016%; no homozygotes.

Submission:

Labcorp Genetics (formerly Invitae), Labcorp
Classification: Uncertain significance. Last evaluated: 2025-08-10. Review status: criteria provided, single submitter. Criteria: Invitae Variant Classification Sherloc (09022015). Collection method: clinical testing. Allele origin: germline.
Comment: This sequence change replaces cysteine, which is neutral and slightly polar, with arginine, which is basic and polar, at codon 1378 of the OTOGL protein (p.Cys1378Arg). This variant is present in population databases (rs768182016, gnomAD 0.003%). This missense change has been observed in individual(s) with sensorineural hearing loss (PMID: 23122586). ClinVar contains an entry for this variant (Variation ID: 2956702). An algorithm developed to predict the effect of missense changes on protein structure and function (PolyPhen-2) suggests that this variant is likely to be disruptive. In summary, the available evidence is currently insufficient to determine the role of this variant in disease. Therefore, it has been classified as a Variant of Uncertain Significance.

Literature cited by the submitters: PubMed 23122586.